The following is an entry in ClinVar:

NM_005422.4(TECTA):c.2795T>C (p.Val932Ala)

Genes: TECTA (tectorin alpha; plus strand), TBCEL-TECTA (TBCEL-TECTA readthrough; plus strand), LOC126861365 (P300/CBP strongly-dependent group 1 enhancer GRCh37_chr11:121000154-121001353; plus strand). Cytogenetic location: 11q23.3.
Variant type: single nucleotide variant.
Coding change: c.2795T>C on transcript NM_005422.4 (MANE Select); coding-DNA position 2795, T replaced by C.
Protein change: p.Val932Ala; replaces valine 932 with alanine.
Molecular consequence: missense variant.
Genome position (GRCh38, 1-based): chr11:121,130,065, T>C. VCF-style: chr11-121130065-T-C. GRCh37 (hg19) VCF-style: chr11-121000774-T-C.
Other names: c.3752T>C, p.Val1251Ala (NM_001378761.1); short protein forms V932A, V1251A.
Identifiers: ClinVar variation 45322 (VCV000045322.28), dbSNP rs520805, ClinGen allele CA136034.
Genomic context (GRCh38, chr11:121,130,065, plus strand): 5'-GCGGCATCATCAACGACCCCTCCAACAGCTCCTTCCTGGAGTGCCATGGGGTGGTGAACG[T>C]CACTGCCTATTACCGCACCTGCCTTTTCCGCCTGTGCCAGAGTGGGGGCAATGAGTCAGA-3'
Protein context (NP_005413.2, residues 922-942): SFLECHGVVN[Val932Ala]TAYYRTCLFR

ClinVar aggregate classification (germline): Benign/Likely benign. Review status: criteria provided, multiple submitters, no conflicts (2 of 4 stars). 11 submissions from 9 submitters: Benign (8); Likely benign (3). Last evaluated 2026-02-04.

Conditions:
Autosomal recessive nonsyndromic hearing loss 21. Identifiers: Orphanet 90636, MedGen C1863655, MONDO:0011351, OMIM 603629.
Autosomal dominant nonsyndromic hearing loss 12. Also called: DEAFNESS, AUTOSOMAL DOMINANT 8. Identifiers: Orphanet 90635, MedGen C1832187, MONDO:0011102, OMIM 601543.

Allele frequency attached by ClinVar (database versions not stated): ESP Exome Variant Server 0.19840; TOPMed 0.20201; gnomAD 0.20376 and 0.20516; ExAC 0.21409; 1000 Genomes Project 0.21565; gnomAD exomes 0.21665 and 0.22088; 1000 Genomes Project 30x 0.21736.
gnomAD v4.1: 353,358 of 1,613,878 alleles (22%); highest among the groups gnomAD compares: East Asian, 26%; 39,283 homozygotes.

Submissions (11):

Labcorp Genetics (formerly Invitae), Labcorp
Classification: Benign. Last evaluated: 2026-02-04. Review status: criteria provided, single submitter. Criteria: Invitae Variant Classification Sherloc (09022015). Collection method: clinical testing. Allele origin: germline.

Genome-Nilou Lab
Classification: Benign for Autosomal dominant nonsyndromic hearing loss 12. Last evaluated: 2021-09-10. Review status: criteria provided, single submitter. Criteria: ACMG Guidelines, 2015. Collection method: clinical testing. Allele origin: germline. Affected: no.

Genome-Nilou Lab
Classification: Benign for Autosomal recessive nonsyndromic hearing loss 21. Last evaluated: 2021-09-10. Review status: criteria provided, single submitter. Criteria: ACMG Guidelines, 2015. Collection method: clinical testing. Allele origin: germline. Affected: no.

Mayo Clinic Laboratories, Mayo Clinic
Classification: Benign. Last evaluated: 2020-12-09. Review status: criteria provided, single submitter. Criteria: ACMG Guidelines, 2015. Collection method: clinical testing. Allele origin: germline. Observed: 66 variant alleles.

Illumina Laboratory Services, Illumina
Classification: Likely benign for Autosomal recessive nonsyndromic hearing loss 21. Last evaluated: 2017-04-27. Review status: criteria provided, single submitter. Criteria: ICSL Variant Classification Criteria 13 December 2019. Collection method: clinical testing. Allele origin: germline.
Comment: This variant was observed as part of a predisposition screen in an ostensibly healthy population. A literature search was performed for the gene, cDNA change, and amino acid change (where applicable). No publications were found based on this search. Allele frequency data from public databases allowed determination this variant is unlikely to cause disease. Therefore, this variant is classified as likely benign.

Illumina Laboratory Services, Illumina
Classification: Likely benign for Autosomal dominant nonsyndromic hearing loss 12. Last evaluated: 2017-04-27. Review status: criteria provided, single submitter. Criteria: ICSL Variant Classification Criteria 13 December 2019. Collection method: clinical testing. Allele origin: germline.
Comment: the same text as in the submission from Illumina Laboratory Services, Illumina above.

GeneDx
Classification: Benign. Last evaluated: 2015-03-03. Review status: criteria provided, single submitter. Criteria: GeneDx Variant Classification Process June 2021. Collection method: clinical testing. Allele origin: germline. Affected: yes.

Eurofins Ntd Llc (ga)
Classification: Benign. Last evaluated: 2014-12-16. Review status: criteria provided, single submitter. Criteria: EGL Classification Definitions 2015. Collection method: clinical testing. Allele origin: germline. Observed: 1 variant allele, 1 heterozygote.

Laboratory for Molecular Medicine, Mass General Brigham Personalized Medicine
Classification: Benign. Last evaluated: 2012-05-07. Review status: criteria provided, single submitter. Criteria: LMM Criteria. Collection method: clinical testing. Allele origin: germline. Observed: 594 variant alleles.
Comment: Val932Ala in Exon 09 of TECTA: This variant is not expected to have clinical sig nificance because it has been identified in 21.0% (1477/7020) of European Americ an chromosomes from a broad population by the NHLBI Exome Sequencing Project (dbSNP rs520805).

Breakthrough Genomics
Classification: Likely benign. Review status: criteria provided, single submitter. Criteria: ACMG Guidelines, 2015. Collection method: not provided. Allele origin: germline. Inheritance: Autosomal recessive inheritance. Affected: yes.

PreventionGenetics, part of Exact Sciences
Classification: Benign. Review status: criteria provided, single submitter. Criteria: ACMG Guidelines, 2015. Collection method: clinical testing. Allele origin: germline.